The following is an entry in ClinVar:

ClinVar aggregate classification (germline): Conflicting classifications of pathogenicity. Review status: criteria provided, conflicting classifications (1 of 4 stars). 2 submissions from 2 submitters: Uncertain significance (1); Likely benign (1). Last evaluated 2025-10-26.

Conditions:
Developmental and epileptic encephalopathy, 78. Also called: EPILEPTIC ENCEPHALOPATHY, EARLY INFANTILE, 78. Identifiers: MedGen C5231409, MONDO:0032812, OMIM 618557.

Allele frequency attached by ClinVar (database versions not stated): gnomAD exomes below 0.00001 and 0.00001; ExAC 0.00001.
gnomAD v4.1: 2 of 1,613,982 alleles (0.00012%); highest among the groups gnomAD compares: Non-Finnish European, 0.00017%; no homozygotes.

Submissions (2):

Labcorp Genetics (formerly Invitae), Labcorp
Classification: Likely benign. Last evaluated: 2025-10-26. Review status: criteria provided, single submitter. Criteria: Invitae Variant Classification Sherloc (09022015). Collection method: clinical testing. Allele origin: germline.

New York Genome Center
Classification: Uncertain significance for Developmental and epileptic encephalopathy, 78. Last evaluated: 2021-03-05. Review status: criteria provided, single submitter. Criteria: NYGC Assertion Criteria 2020. Collection method: clinical testing. Allele origin: inherited. Observed: 1 heterozygote. Study: CSER-NYCKidSeq.
Comment: The inherited c.764T>C ( p.Ile255Thr) variant identified in the GABRA2 gene substitutes a well conserved Isoleucine for Threonine at amino acid 255/452 (exon 8/10). This variant is absent from gnomAD(v3.1) suggesting it is not a common benign variant in the populations represented in that database. In silico algorithms predict this variant to be Damaging (SIFT; score: 0.00) and Pathogenic (REVEL; score:0.927) to the function of the canonical transcript. This variant is absent from ClinVar and to our current knowledge has not been reported in affected individuals in the literature. The p.Ile255 residue is within the first helical transmembrane domain of GABRA2 (UniProtKB:P47869), and to date all pathogenic variants identified have been in one of the helical transmembrane domains within this region (for Review, see [PMID:32347641, 31032849]). The inherited c.764T>C (p.Ile255Thr) variant identified in the GABRA2 gene is reported as a Variant of Uncertain Significance.

NM_000807.4(GABRA2):c.764T>C (p.Ile255Thr)

Gene: GABRA2 (gamma-aminobutyric acid type A receptor subunit alpha2; minus strand). Cytogenetic location: 4p12.
Variant type: single nucleotide variant.
Coding change: c.764T>C on transcript NM_000807.4 (MANE Select); coding-DNA position 764, T replaced by C.
Protein change: p.Ile255Thr; replaces isoleucine 255 with threonine.
Molecular consequence: missense variant.
Genome position (GRCh38, 1-based): chr4:46,303,552, A>G on the plus strand (T>C on the coding strand, the complement: GABRA2 is on the minus strand). VCF-style: chr4-46303552-A-G. GRCh37 (hg19) VCF-style: chr4-46305569-A-G.
Other names: c.764T>C, p.Ile255Thr (NM_001114175.3, NM_001330690.2, NM_001377144.1 and 8 more transcripts); c.599T>C, p.Ile200Thr (NM_001286827.3, NM_001377152.1, NM_001377153.1 and 1 more transcripts); short protein forms I200T, I255T.
Identifiers: ClinVar variation 1342366 (VCV001342366.6), dbSNP rs767460850, ClinGen allele CA2906643.